The following is an entry in ClinVar:

ClinVar aggregate classification (germline): Uncertain significance. Review status: criteria provided, multiple submitters, no conflicts (2 of 4 stars). 4 submissions from 4 submitters: Uncertain significance (4). Last evaluated 2025-10-13.

Conditions:
Hereditary cancer-predisposing syndrome. Also called: Tumor predisposition; Hereditary Cancer Syndrome; Hereditary neoplastic syndrome; Neoplastic Syndromes, Hereditary. Identifiers: Orphanet 140162, MedGen C0027672, MeSH D009386, MONDO:0015356.
Ataxia-telangiectasia syndrome (AT). Also called: Ataxia telangiectasia (A-T); LOUIS-BAR SYNDROME; Cerebello-oculocutaneous telangiectasia; Immunodeficiency with ataxia telangiectasia; ATAXIA-TELANGIECTASIA, COMPLEMENTATION GROUP A; ATAXIA-TELANGIECTASIA, FRESNO VARIANT. Identifiers: Orphanet 100, MedGen C0004135, MONDO:0008840, OMIM 208900.

Allele frequency attached by ClinVar (database versions not stated): TOPMed below 0.00001; gnomAD exomes 0.00001; ExAC 0.00002.
gnomAD v4.1: 4 of 1,612,096 alleles (0.00025%); highest among the groups gnomAD compares: South Asian, 0.0022%; 1 homozygote.

Submissions (4):

Labcorp Genetics (formerly Invitae), Labcorp
Classification: Uncertain significance for Ataxia-telangiectasia syndrome. Last evaluated: 2025-10-13. Review status: criteria provided, single submitter. Criteria: Invitae Variant Classification Sherloc (09022015). Collection method: clinical testing. Allele origin: germline.
Comment: This sequence change replaces tyrosine, which is neutral and polar, with cysteine, which is neutral and slightly polar, at codon 123 of the ATM protein (p.Tyr123Cys). This variant is not present in population databases (gnomAD no frequency). This variant has not been reported in the literature in individuals affected with ATM-related conditions. ClinVar contains an entry for this variant (Variation ID: 236709). Invitae Evidence Modeling of protein sequence and biophysical properties (such as structural, functional, and spatial information, amino acid conservation, physicochemical variation, residue mobility, and thermodynamic stability) indicates that this missense variant is not expected to disrupt ATM protein function with a negative predictive value of 95%. In summary, the available evidence is currently insufficient to determine the role of this variant in disease. Therefore, it has been classified as a Variant of Uncertain Significance.

Ambry Genetics
Classification: Uncertain significance for Hereditary cancer-predisposing syndrome. Last evaluated: 2025-09-29. Review status: criteria provided, single submitter. Criteria: Ambry Variant Classification Scheme 2023. Collection method: clinical testing. Allele origin: germline.
Comment: The p.Y123C variant (also known as c.368A>G), located in coding exon 4 of the ATM gene, results from an A to G substitution at nucleotide position 368. The tyrosine at codon 123 is replaced by cysteine, an amino acid with highly dissimilar properties. This amino acid position is not well conserved in available vertebrate species. In addition, the in silico prediction for this alteration is inconclusive. Since supporting evidence is limited at this time, the clinical significance of this alteration remains unclear.

Color Diagnostics, LLC DBA Color Health
Classification: Uncertain significance for Hereditary cancer-predisposing syndrome. Last evaluated: 2023-12-04. Review status: criteria provided, single submitter. Criteria: ACMG Guidelines, 2015. Collection method: clinical testing. Allele origin: germline.
Comment: This missense variant replaces tyrosine with cysteine at codon 123 of the ATM protein. Computational prediction suggests that this variant may not impact protein structure and function (internally defined REVEL score threshold <= 0.5, PMID: 27666373). To our knowledge, functional studies have not been reported for this variant. This variant has not been reported in individuals affected with ATM-related disorders in the literature. This variant has not been identified in the general population by the Genome Aggregation Database (gnomAD). The available evidence is insufficient to determine the role of this variant in disease conclusively. Therefore, this variant is classified as a Variant of Uncertain Significance.

Women's Health and Genetics/Laboratory Corporation of America, LabCorp
Classification: Uncertain significance. Last evaluated: 2019-05-14. Review status: criteria provided, single submitter. Criteria: LabCorp Variant Classification Summary - May 2015. Collection method: clinical testing. Allele origin: germline.
Comment: Variant summary: ATM c.368A>G (p.Tyr123Cys) results in a non-conservative amino acid change in the encoded protein sequence. Four of five in-silico tools predict a damaging effect of the variant on protein function. The variant was absent in 251154 control chromosomes (gnomAD). The available data on variant occurrences in the general population are insufficient to allow any conclusion about variant significance. To our knowledge, no occurrence of c.368A>G in individuals affected with Ataxia-Telangiectasia and no experimental evidence demonstrating its impact on protein function have been reported. A ClinVar submission from a clinical diagnostic laboratory (evaluation after 2014) cites the variant as uncertain significance. Based on the evidence outlined above, the variant was classified as uncertain significance.

NM_000051.4(ATM):c.368A>G (p.Tyr123Cys)

Gene: ATM (ATM serine/threonine kinase; plus strand). Cytogenetic location: 11q22.3.
Variant type: single nucleotide variant.
Coding change: c.368A>G on transcript NM_000051.4 (MANE Select); coding-DNA position 368, A replaced by G.
Protein change: p.Tyr123Cys; replaces tyrosine 123 with cysteine.
Molecular consequence: missense variant.
Genome position (GRCh38, 1-based): chr11:108,235,706, A>G. VCF-style: chr11-108235706-A-G. GRCh37 (hg19) VCF-style: chr11-108106433-A-G.
Other names: c.368A>G, p.Tyr123Cys (NM_001351834.2); short protein forms Y123C.
Identifiers: ClinVar variation 236709 (VCV000236709.20), dbSNP rs759673348, ClinGen allele CA6264595.